The following is an entry in ClinVar:

NM_001048174.2(MUTYH):c.1015C>G (p.Pro339Ala)

Gene: MUTYH (mutY DNA glycosylase; minus strand). Cytogenetic location: 1p34.1.
Variant type: single nucleotide variant.
Coding change: c.1015C>G on transcript NM_001048174.2 (MANE Select); coding-DNA position 1015, C replaced by G.
Protein change: p.Pro339Ala; replaces proline 339 with alanine.
Molecular consequence: missense variant. On other transcripts: non-coding transcript variant (2).
Genome position (GRCh38, 1-based): chr1:45,331,748, G>C on the plus strand (C>G on the coding strand, the complement: MUTYH is on the minus strand). VCF-style: chr1-45331748-G-C. GRCh37 (hg19) VCF-style: chr1-45797420-G-C.
Other names: c.1015C>G, p.Pro339Ala (NM_001048171.2, NM_001048173.2, NM_001293195.2); c.1018C>G, p.Pro340Ala (NM_001048172.2); c.1099C>G, p.Pro367Ala (NM_001128425.2); c.1060C>G, p.Pro354Ala (NM_001293190.2); c.1048C>G, p.Pro350Ala (NM_001293191.2); c.739C>G, p.Pro247Ala (NM_001293192.2, NM_001293196.2); c.670C>G, p.Pro224Ala (NM_001350650.2, NM_001350651.2); c.1090C>G, p.Pro364Ala (NM_012222.3); short protein forms P367A, P340A, P354A, P247A, P350A, P224A, P339A, P364A.
Identifiers: ClinVar variation 233206 (VCV000233206.24), dbSNP rs876660262, ClinGen allele CA10577716.
Genomic context (GRCh38, chr1:45,331,748, plus strand): 5'-TTTGGGCCCCAAGGGCCCCAGGCTGTTCCAGAACACAGGTGGCAGAGCTCTCCTCCCTGG[G>C]GGGCTTGCGGCTGGCCTTTCTGGGGAAGTTGACCACTCCCAGGGTCTGGTCCCAGGGCTC-3'
Protein context (NP_001041639.1, residues 329-349): NFPRKASRKP[Pro339Ala]REESSATCVL

ClinVar aggregate classification (germline): Uncertain significance. Review status: criteria provided, multiple submitters, no conflicts (2 of 4 stars). 6 submissions from 6 submitters: Uncertain significance (6). Last evaluated 2025-12-22.

Conditions:
Hereditary cancer-predisposing syndrome. Also called: Neoplastic Syndromes, Hereditary; Hereditary neoplastic syndrome; Hereditary Cancer Syndrome; Tumor predisposition. Identifiers: Orphanet 140162, MedGen C0027672, MeSH D009386, MONDO:0015356.
Familial adenomatous polyposis 2. Also called: MUTYH-related attenuated familial adenomatous polyposis; FAP type 2; MUTYH-associated polyposis; MUTYH Polyposis; Adenomas, multiple colorectal; COLORECTAL ADENOMATOUS POLYPOSIS, AUTOSOMAL RECESSIVE. Identifiers: Orphanet 220460, Orphanet 247798, MedGen C3272841, MONDO:0012041, OMIM 608456.
MUTYH-related disorder. Also called: MUTYH-related condition; MUTYH-related disorders.

Allele frequency attached by ClinVar (database versions not stated): TOPMed below 0.00001; gnomAD 0.00001; gnomAD exomes 0.00001.

Submissions (6):

Labcorp Genetics (formerly Invitae), Labcorp
Classification: Uncertain significance for Familial adenomatous polyposis 2. Last evaluated: 2025-12-22. Review status: criteria provided, single submitter. Criteria: Invitae Variant Classification Sherloc (09022015). Collection method: clinical testing. Allele origin: germline.
Comment: This sequence change replaces proline, which is neutral and non-polar, with alanine, which is neutral and non-polar, at codon 367 of the MUTYH protein (p.Pro367Ala). This variant is present in population databases (no rsID available, gnomAD 0.002%). This variant has not been reported in the literature in individuals affected with MUTYH-related conditions. ClinVar contains an entry for this variant (Variation ID: 233206). An algorithm developed to predict the effect of missense changes on protein structure and function (PolyPhen-2) suggests that this variant is likely to be tolerated. In summary, the available evidence is currently insufficient to determine the role of this variant in disease. Therefore, it has been classified as a Variant of Uncertain Significance.

Ambry Genetics
Classification: Uncertain significance for Hereditary cancer-predisposing syndrome. Last evaluated: 2024-04-29. Review status: criteria provided, single submitter. Criteria: Ambry Variant Classification Scheme 2023. Collection method: clinical testing. Allele origin: germline.
Comment: The p.P367A variant (also known as c.1099C>G), located in coding exon 12 of the MUTYH gene, results from a C to G substitution at nucleotide position 1099. The proline at codon 367 is replaced by alanine, an amino acid with highly similar properties. This amino acid position is well conserved in available vertebrate species. In addition, the in silico prediction for this alteration is inconclusive. Based on the available evidence, the clinical significance of this variant remains unclear.

Baylor Genetics
Classification: Uncertain significance for Familial adenomatous polyposis 2. Last evaluated: 2024-01-25. Review status: criteria provided, single submitter. Criteria: ACMG Guidelines, 2015. Collection method: clinical testing. Allele origin: unknown.

All of Us Research Program, National Institutes of Health
Classification: Uncertain significance for Familial adenomatous polyposis 2. Last evaluated: 2023-07-10. Review status: criteria provided, single submitter. Criteria: ACMG Guidelines, 2015. Collection method: clinical testing. Allele origin: germline. Inheritance: Autosomal recessive inheritance. Observed: 1 variant allele, 1 heterozygote.
Comment: This missense variant replaces proline with alanine at codon 367 of the MUTYH protein. Computational prediction suggests that this variant may not impact protein structure and function (internally defined REVEL score threshold <= 0.5, PMID: 27666373). To our knowledge, functional studies have not been reported for this variant. This variant has not been reported in individuals affected with hereditary cancer in the literature. This variant has been identified in 4/281606 chromosomes in the general population by the Genome Aggregation Database (gnomAD). The available evidence is insufficient to determine the role of this variant in disease conclusively. Therefore, this variant is classified as a Variant of Uncertain Significance.

This study involves interpretation of variants in research participants for the purpose of population health screening. Participant phenotype was not available at the time of variant classification. Additional details can be found in publication PMID: 35346344, PMCID: PMC8962531

PreventionGenetics, part of Exact Sciences
Classification: Uncertain significance for MUTYH-related condition. Last evaluated: 2023-05-25. Review status: criteria provided, single submitter. Criteria: ACMG Guidelines, 2015. Collection method: clinical testing. Allele origin: germline.
Comment: The MUTYH c.1099C>G variant is predicted to result in the amino acid substitution p.Pro367Ala. To our knowledge, this variant has not been reported in the literature. This variant is reported in 0.0023% of alleles in individuals of European (Non-Finnish) descent in gnomAD. This variant is classified as uncertain in ClinVar. At this time, the clinical significance of this variant is uncertain due to the absence of conclusive functional and genetic evidence.

Color Diagnostics, LLC DBA Color Health
Classification: Uncertain significance for Hereditary cancer-predisposing syndrome. Last evaluated: 2022-08-22. Review status: criteria provided, single submitter. Criteria: ACMG Guidelines, 2015. Collection method: clinical testing. Allele origin: germline.
Comment: This missense variant replaces proline with alanine at codon 367 of the MUTYH protein. Computational prediction suggests that this variant may not impact protein structure and function (internally defined REVEL score threshold <= 0.5, PMID: 27666373). To our knowledge, functional studies have not been reported for this variant. This variant has not been reported in individuals affected with hereditary cancer in the literature. This variant has been identified in 4/281606 chromosomes in the general population by the Genome Aggregation Database (gnomAD). The available evidence is insufficient to determine the role of this variant in disease conclusively. Therefore, this variant is classified as a Variant of Uncertain Significance.